The following is an entry in ClinVar:

NC_000012.12:g.132473260T>C

Gene: MUC8 (mucin 8; minus strand). Cytogenetic location: 12q24.33.
Variant type: single nucleotide variant.
Genome position: GRCh38 VCF-style: chr12-132473260-T-C. GRCh37 (hg19) VCF-style: chr12-133049846-T-C.
Identifiers: ClinVar variation 2643640 (VCV002643640.24), dbSNP rs568328876, ClinGen allele CA246254798.

ClinVar aggregate classification (germline): Likely benign (1 of 4 stars; one submission).

Allele frequency attached by ClinVar (database versions not stated): gnomAD 0.00022; 1000 Genomes Project 0.00260.

Submission:

CeGaT Center for Human Genetics Tuebingen
Classification: Likely benign. Last evaluated: 2023-02-01. Review status: criteria provided, single submitter. Criteria: CeGaT Center For Human Genetics Tuebingen Variant Classification Criteria Version 2. Collection method: clinical testing. Allele origin: germline. Affected: yes. Observed: 1 variant allele.
Comment: MUC8: BP4, BP7